The following is an entry in ClinVar:

ClinVar aggregate classification (germline): Pathogenic/Likely pathogenic. Review status: criteria provided, multiple submitters, no conflicts (2 of 4 stars). 2 submissions from 2 submitters: Pathogenic (1); Likely pathogenic (1). Last evaluated 2024-12-17.

Conditions:
Hereditary cancer-predisposing syndrome. Also called: Neoplastic Syndromes, Hereditary; Tumor predisposition; Hereditary neoplastic syndrome; Hereditary Cancer Syndrome. Identifiers: Orphanet 140162, MedGen C0027672, MeSH D009386, MONDO:0015356.
Rhabdoid tumor predisposition syndrome 2 (RTPS2). Identifiers: Orphanet 231108, Orphanet 69077, MedGen C2750074, MONDO:0013224, OMIM 613325.

Submissions (2):

Labcorp Genetics (formerly Invitae), Labcorp
Classification: Likely pathogenic for Rhabdoid tumor predisposition syndrome 2. Last evaluated: 2024-12-17. Review status: criteria provided, single submitter. Criteria: Invitae Variant Classification Sherloc (09022015). Collection method: clinical testing. Allele origin: germline.
Comment: This sequence change creates a premature translational stop signal (p.Arg1523*) in the SMARCA4 gene. It is expected to result in an absent or disrupted protein product. Loss-of-function variants in SMARCA4 are known to be pathogenic (PMID: 24658001, 24658002). This variant is not present in population databases (gnomAD no frequency). This variant has not been reported in the literature in individuals affected with SMARCA4-related conditions. ClinVar contains an entry for this variant (Variation ID: 567464). In summary, the currently available evidence indicates that the variant is pathogenic, but additional data are needed to prove that conclusively. Therefore, this variant has been classified as Likely Pathogenic.

Ambry Genetics
Classification: Pathogenic for Hereditary cancer-predisposing syndrome. Last evaluated: 2023-05-09. Review status: criteria provided, single submitter. Criteria: Ambry Variant Classification Scheme 2023. Collection method: clinical testing. Allele origin: germline.
Comment: The p.R1523* pathogenic mutation (also known as c.4567C>T), located in coding exon 31 of the SMARCA4 gene, results from a C to T substitution at nucleotide position 4567. This changes the amino acid from an arginine to a stop codon within coding exon 31. This alteration is expected to result in loss of function by premature protein truncation or nonsense-mediated mRNA decay. This variant is considered to be rare based on population cohorts in the Genome Aggregation Database (gnomAD). Loss-of-function variants in SMARCA4 are known to cause rhabdoid tumor predisposition syndrome including small cell carcinoma of the ovary-hypercalcemic type (SCCOHT); however, such associations with neurodevelopmental disorders are exceedingly rare (Kosho T et al. Am J Med Genet C Semin Med Genet. 2014 Sep;166C(3):262-75; Jelinic P et al. Nat Genet. 2014 May;46(5):424-6). Based on the supporting evidence, this alteration is pathogenic for rhabdoid tumor predisposition syndrome; however, the association of this alteration with Coffin-Siris syndrome is unlikely.

Literature cited by the submitters: PubMed 24658001 (cited by Labcorp Genetics (formerly Invitae), Labcorp); PubMed 24658002 (cited by Labcorp Genetics (formerly Invitae), Labcorp).

NM_003072.5(SMARCA4):c.4471C>T (p.Arg1491Ter)

Gene: SMARCA4 (SWI/SNF related BAF chromatin remodeling complex subunit ATPase 4; plus strand). Cytogenetic location: 19p13.2.
Variant type: single nucleotide variant.
Coding change: c.4471C>T on transcript NM_003072.5 (MANE Select); coding-DNA position 4471, C replaced by T.
Protein change: p.Arg1491Ter; replaces arginine 1491 with a stop codon.
Molecular consequence: nonsense. On other transcripts: non-coding transcript variant (1).
Genome position (GRCh38, 1-based): chr19:11,058,301, C>T. VCF-style: chr19-11058301-C-T. GRCh37 (hg19) VCF-style: chr19-11168977-C-T.
Other names: c.4471C>T, p.Arg1491Ter (NM_001128844.3); c.4381C>T, p.Arg1461Ter (NM_001128845.2); c.4378C>T, p.Arg1460Ter (NM_001128846.2); c.4372C>T, p.Arg1458Ter (NM_001128847.4, NM_001374457.1); c.4369C>T, p.Arg1457Ter (NM_001128848.2); c.4567C>T, p.Arg1523Ter (NM_001128849.3, NM_001387283.1); short protein forms R1523*, R1457*, R1460*, R1461*, R1458*, R1491*.
Identifiers: ClinVar variation 567464 (VCV000567464.11), dbSNP rs758517117, ClinGen allele CA404077529.
Genomic context (GRCh38, chr19:11,058,301, plus strand): 5'-GTTCTGCCTTGCAGCAGCAGTGGACGTCAGCTCAGCGAGGTCTTCATCCAGCTGCCCTCG[C>T]GAAAGGAGCTGCCCGAGTACTACGAGCTCATCCGCAAGCCCGTGGACTTCAAGAAGATAA-3'